The following is an entry in ClinVar:

NM_000996.4(RPL35A):c.111T>G (p.Asp37Glu)

Genes: DRC9 (dynein regulatory complex subunit 9; minus strand), RPL35A (ribosomal protein L35a; plus strand). Cytogenetic location: 3q29.
Variant type: single nucleotide variant.
Coding change: c.111T>G on transcript NM_000996.4 (MANE Select); coding-DNA position 111, T replaced by G.
Protein change: p.Asp37Glu; replaces aspartic acid 37 with glutamic acid.
Molecular consequence: missense variant. On other transcripts: intron variant (3).
Genome position (GRCh38, 1-based): chr3:197,951,258, T>G. VCF-style: chr3-197951258-T-G. GRCh37 (hg19) VCF-style: chr3-197678129-T-G.
Other names: c.-59-5572A>C (NM_032263.5); c.-374-5572A>C (NM_001323029.2); c.111T>G, p.Asp37Glu (NM_001316311.2); c.-49-7207A>C (NM_001323028.2); short protein forms D37E.
Identifiers: ClinVar variation 3704036 (VCV003704036.2).

ClinVar aggregate classification (germline): Uncertain significance (1 of 4 stars; one submission).

Conditions:
Diamond-Blackfan anemia 5 (DBA5). Also called: RPL35A-Related Diamond-Blackfan Anemia. Identifiers: Orphanet 124, MedGen C2675859, MONDO:0012925, OMIM 612528.

gnomAD v4.1: 3 of 1,614,188 alleles (0.00019%); highest among the groups gnomAD compares: African/African-American, 0.0013%; no homozygotes.

Submission:

Labcorp Genetics (formerly Invitae), Labcorp
Classification: Uncertain significance for Diamond-Blackfan anemia 5. Last evaluated: 2024-10-08. Review status: criteria provided, single submitter. Criteria: Invitae Variant Classification Sherloc (09022015). Collection method: clinical testing. Allele origin: germline.
Comment: This sequence change replaces aspartic acid, which is acidic and polar, with glutamic acid, which is acidic and polar, at codon 37 of the RPL35A protein (p.Asp37Glu). This variant is not present in population databases (gnomAD no frequency). This variant has not been reported in the literature in individuals affected with RPL35A-related conditions. An algorithm developed to predict the effect of missense changes on protein structure and function (PolyPhen-2) suggests that this variant is likely to be tolerated. In summary, the available evidence is currently insufficient to determine the role of this variant in disease. Therefore, it has been classified as a Variant of Uncertain Significance.